The following is an entry in ClinVar:

ClinVar aggregate classification (germline): Likely benign (1 of 4 stars; one submission).

Allele frequency attached by ClinVar (database versions not stated): gnomAD exomes 0.00052; ESP Exome Variant Server 0.00416; 1000 Genomes Project 30x 0.00468; 1000 Genomes Project 0.00479; gnomAD 0.00560 and 0.00607; TOPMed 0.00631.
gnomAD v4.1: 1,685 of 1,612,298 alleles (0.1%); highest among the groups gnomAD compares: African/African-American, 1.9%; 13 homozygotes.

Submission:

GeneDx
Classification: Likely benign. Last evaluated: 2018-06-19. Review status: criteria provided, single submitter. Criteria: GeneDx Variant Classification (06012015). Collection method: clinical testing. Allele origin: germline. Affected: yes.
Comment: This variant is considered likely benign or benign based on one or more of the following criteria: it is a conservative change, it occurs at a poorly conserved position in the protein, it is predicted to be benign by multiple in silico algorithms, and/or has population frequency not consistent with disease.

NM_003289.4(TPM2):c.702+60C>T

Gene: TPM2 (tropomyosin 2; minus strand). Cytogenetic location: 9p13.3.
Variant type: single nucleotide variant.
Coding change: c.702+60C>T on transcript NM_003289.4 (MANE Select); 60 bases into the intron after coding-DNA position 702, C replaced by T.
Molecular consequence: intron variant.
Genome position (GRCh38, 1-based): chr9:35,684,428, G>A on the plus strand (C>T on the coding strand, the complement: TPM2 is on the minus strand). VCF-style: chr9-35684428-G-A. GRCh37 (hg19) VCF-style: chr9-35684425-G-A.
Other names: c.702+60C>T (NM_213674.1, NM_001301226.2, NM_001301227.2).
Identifiers: ClinVar variation 682810 (VCV000682810.1), dbSNP rs116715720, ClinGen allele CA192756963.